The following is an entry in ClinVar:

NM_000211.5(ITGB2):c.991G>T (p.Glu331Ter)

Gene: ITGB2 (integrin subunit beta 2; minus strand). Cytogenetic location: 21q22.3.
Variant type: single nucleotide variant.
Coding change: c.991G>T on transcript NM_000211.5 (MANE Select); coding-DNA position 991, G replaced by T.
Protein change: p.Glu331Ter; replaces glutamic acid 331 with a stop codon.
Molecular consequence: nonsense.
Genome position (GRCh38, 1-based): chr21:44,899,069, C>A on the plus strand (G>T on the coding strand, the complement: ITGB2 is on the minus strand). VCF-style: chr21-44899069-C-A. GRCh37 (hg19) VCF-style: chr21-46318984-C-A.
Other names: c.991G>T (LRG_76t1); c.991G>T, p.Glu331Ter (NM_001127491.3); c.784G>T, p.Glu262Ter (NM_001303238.2); short protein forms E331*, E262*.
Identifiers: ClinVar variation 419728 (VCV000419728.4), dbSNP rs755600323, ClinGen allele CA16621024.

ClinVar aggregate classification (germline): Pathogenic (1 of 4 stars; one submission).

Submission:

GeneDx
Classification: Pathogenic. Last evaluated: 2019-07-10. Review status: criteria provided, single submitter. Criteria: GeneDx Variant Classification Process June 2021. Collection method: clinical testing. Allele origin: germline. Affected: yes.
Comment: Nonsense variant predicted to result in protein truncation or nonsense mediated decay in a gene for which loss-of-function is a known mechanism of disease; Not observed in large population cohorts (Lek et al., 2016); Has not been previously published as pathogenic or benign to our knowledge